The following is an entry in ClinVar:

NM_004370.6(COL12A1):c.5074T>C (p.Phe1692Leu)

Gene: COL12A1 (collagen type XII alpha 1 chain; minus strand). Cytogenetic location: 6q13.
Variant type: single nucleotide variant.
Coding change: c.5074T>C on transcript NM_004370.6 (MANE Select); coding-DNA position 5074, T replaced by C.
Protein change: p.Phe1692Leu; replaces phenylalanine 1692 with leucine.
Molecular consequence: missense variant.
Genome position (GRCh38, 1-based): chr6:75,138,845, A>G on the plus strand (T>C on the coding strand, the complement: COL12A1 is on the minus strand). VCF-style: chr6-75138845-A-G. GRCh37 (hg19) VCF-style: chr6-75848561-A-G.
Other names: c.5074T>C, p.Phe1692Leu (NM_001424113.1, NM_001424114.1); c.4801T>C, p.Phe1601Leu (NM_001424115.1); c.1582T>C, p.Phe528Leu (NM_001424116.1, NM_080645.3); short protein forms F1601L, F1692L, F528L.
Identifiers: ClinVar variation 3758537 (VCV003758537.2).

ClinVar aggregate classification (germline): Uncertain significance (1 of 4 stars; one submission).

Conditions:
Ullrich congenital muscular dystrophy 2 (UCMD2). Identifiers: Orphanet 75840, MedGen C4225314, MONDO:0014654, OMIM 616470.
Bethlem myopathy 2 (BTHLM2). Identifiers: Orphanet 536516, Orphanet 610, MedGen C4225313, MONDO:0034022, OMIM 616471.

gnomAD v4.1: 5 of 1,614,050 alleles (0.00031%); highest among the groups gnomAD compares: Non-Finnish European, 0.00042%; no homozygotes.

Submission:

Labcorp Genetics (formerly Invitae), Labcorp
Classification: Uncertain significance for Bethlem myopathy 2; Ullrich congenital muscular dystrophy 2. Last evaluated: 2024-12-03. Review status: criteria provided, single submitter. Criteria: Invitae Variant Classification Sherloc (09022015). Collection method: clinical testing. Allele origin: germline.
Comment: This sequence change replaces phenylalanine, which is neutral and non-polar, with leucine, which is neutral and non-polar, at codon 1692 of the COL12A1 protein (p.Phe1692Leu). This variant is present in population databases (no rsID available, gnomAD 0.0009%). This variant has not been reported in the literature in individuals affected with COL12A1-related conditions. Invitae Evidence Modeling of protein sequence and biophysical properties (such as structural, functional, and spatial information, amino acid conservation, physicochemical variation, residue mobility, and thermodynamic stability) indicates that this missense variant is not expected to disrupt COL12A1 protein function with a negative predictive value of 80%. In summary, the available evidence is currently insufficient to determine the role of this variant in disease. Therefore, it has been classified as a Variant of Uncertain Significance.